The following is an entry in ClinVar:

NM_001605.3(AARS1):c.2899A>C (p.Lys967Gln)

Gene: AARS1 (alanyl-tRNA synthetase 1; minus strand). Cytogenetic location: 16q22.1.
Variant type: single nucleotide variant.
Coding change: c.2899A>C on transcript NM_001605.3 (MANE Select); coding-DNA position 2899, A replaced by C.
Protein change: p.Lys967Gln; replaces lysine 967 with glutamine.
Molecular consequence: missense variant.
Genome position (GRCh38, 1-based): chr16:70,252,729, T>G on the plus strand (A>C on the coding strand, the complement: AARS1 is on the minus strand). VCF-style: chr16-70252729-T-G. GRCh37 (hg19) VCF-style: chr16-70286632-T-G.
Other names: short protein forms K967Q.
Identifiers: ClinVar variation 3648032 (VCV003648032.2).

ClinVar aggregate classification (germline): Uncertain significance (1 of 4 stars; one submission).

Conditions:
Charcot-Marie-Tooth disease type 2. Also called: Charcot-Marie-Tooth type 2. Identifiers: Orphanet 64746, MedGen C0270914, MONDO:0018993.

gnomAD v4.1: 1 of 1,614,090 alleles (0.000062%); highest among the groups gnomAD compares: African/African-American, 0.0013%; no homozygotes.

Submission:

Labcorp Genetics (formerly Invitae), Labcorp
Classification: Uncertain significance for Charcot-Marie-Tooth disease type 2. Last evaluated: 2024-06-03. Review status: criteria provided, single submitter. Criteria: Invitae Variant Classification Sherloc (09022015). Collection method: clinical testing. Allele origin: germline.
Comment: This sequence change replaces lysine, which is basic and polar, with glutamine, which is neutral and polar, at codon 967 of the AARS protein (p.Lys967Gln). This variant is not present in population databases (gnomAD no frequency). This variant has not been reported in the literature in individuals affected with AARS-related conditions. An algorithm developed to predict the effect of missense changes on protein structure and function (PolyPhen-2) suggests that this variant is likely to be disruptive. In summary, the available evidence is currently insufficient to determine the role of this variant in disease. Therefore, it has been classified as a Variant of Uncertain Significance.